The following is an entry in ClinVar:

NM_001128840.3(CACNA1D):c.3726G>T (p.Met1242Ile)

Gene: CACNA1D (calcium voltage-gated channel subunit alpha1 D; plus strand). Cytogenetic location: 3p21.1.
Variant type: single nucleotide variant.
Coding change: c.3726G>T on transcript NM_001128840.3 (MANE Select); coding-DNA position 3726, G replaced by T.
Protein change: p.Met1242Ile; replaces methionine 1242 with isoleucine.
Molecular consequence: missense variant.
Genome position (GRCh38, 1-based): chr3:53,753,622, G>T. VCF-style: chr3-53753622-G-T. GRCh37 (hg19) VCF-style: chr3-53787649-G-T.
Other names: c.3786G>T, p.Met1262Ile (NM_000720.4); c.3726G>T, p.Met1242Ile (NM_001128839.3); short protein forms M1242I, M1262I.
Identifiers: ClinVar variation 1419139 (VCV001419139.8), dbSNP rs184010364, ClinGen allele CA353251666.

ClinVar aggregate classification (germline): Uncertain significance (1 of 4 stars; one submission).

Submission:

Labcorp Genetics (formerly Invitae), Labcorp
Classification: Uncertain significance. Last evaluated: 2025-09-22. Review status: criteria provided, single submitter. Criteria: Invitae Variant Classification Sherloc (09022015). Collection method: clinical testing. Allele origin: germline.
Comment: This sequence change replaces methionine, which is neutral and non-polar, with isoleucine, which is neutral and non-polar, at codon 1262 of the CACNA1D protein (p.Met1262Ile). This variant is not present in population databases (gnomAD no frequency). This variant has not been reported in the literature in individuals affected with CACNA1D-related conditions. ClinVar contains an entry for this variant (Variation ID: 1419139). Invitae Evidence Modeling of protein sequence and biophysical properties (such as structural, functional, and spatial information, amino acid conservation, physicochemical variation, residue mobility, and thermodynamic stability) indicates that this missense variant is not expected to disrupt CACNA1D protein function with a negative predictive value of 80%. In summary, the available evidence is currently insufficient to determine the role of this variant in disease. Therefore, it has been classified as a Variant of Uncertain Significance.